The following is an entry in ClinVar:

ClinVar aggregate classification (germline): Uncertain significance. Review status: criteria provided, multiple submitters, no conflicts (2 of 4 stars). 2 submissions from 2 submitters: Uncertain significance (2). Last evaluated 2022-11-17.

Conditions:
Early-infantile DEE. Also called: Early infantile epileptic encephalopathy; Ohtahara syndrome; Early infantile epileptic encephalopathy with suppression bursts. Identifiers: Orphanet 1934, MedGen C0393706, MONDO:0800491.

Submissions (2):

GeneDx
Classification: Uncertain significance. Last evaluated: 2022-11-17. Review status: criteria provided, single submitter. Criteria: GeneDx Variant Classification Process June 2021. Collection method: clinical testing. Allele origin: germline. Affected: yes.
Comment: Not observed at significant frequency in large population cohorts (gnomAD); This substitution is predicted to be within the transmembrane segment S5 of the first homologous domain; In silico analysis supports that this missense variant has a deleterious effect on protein structure/function; Missense variants in this gene are often considered pathogenic (HGMD); Has not been previously published as pathogenic or benign to our knowledge

Labcorp Genetics (formerly Invitae), Labcorp
Classification: Uncertain significance for Early-infantile DEE. Last evaluated: 2022-09-23. Review status: criteria provided, single submitter. Criteria: Invitae Variant Classification Sherloc (09022015). Collection method: clinical testing. Allele origin: germline.
Comment: In summary, the available evidence is currently insufficient to determine the role of this variant in disease. Therefore, it has been classified as a Variant of Uncertain Significance. This sequence change replaces glutamine, which is neutral and polar, with histidine, which is basic and polar, at codon 271 of the SCN8A protein (p.Gln271His). This variant is not present in population databases (gnomAD no frequency). This variant has not been reported in the literature in individuals affected with SCN8A-related conditions. Advanced modeling of protein sequence and biophysical properties (such as structural, functional, and spatial information, amino acid conservation, physicochemical variation, residue mobility, and thermodynamic stability) performed at Invitae indicates that this missense variant is expected to disrupt SCN8A protein function.

NM_001330260.2(SCN8A):c.813G>C (p.Gln271His)

Gene: SCN8A (sodium voltage-gated channel alpha subunit 8; plus strand). Cytogenetic location: 12q13.13.
Variant type: single nucleotide variant.
Coding change: c.813G>C on transcript NM_001330260.2 (MANE Select); coding-DNA position 813, G replaced by C.
Protein change: p.Gln271His; replaces glutamine 271 with histidine.
Molecular consequence: missense variant.
Genome position (GRCh38, 1-based): chr12:51,699,676, G>C. VCF-style: chr12-51699676-G-C. GRCh37 (hg19) VCF-style: chr12-52093460-G-C.
Other names: c.813G>C, p.Gln271His (NM_001177984.3, NM_001369788.1, NM_014191.4); c.813G>C (NM_014191.3); short protein forms Q271H.
Identifiers: ClinVar variation 2016864 (VCV002016864.5), dbSNP rs745369923, ClinGen allele CA385226575.